The following is an entry in ClinVar:

ClinVar aggregate classification (germline): Pathogenic (1 of 4 stars; one submission).

Conditions:
Autosomal recessive limb-girdle muscular dystrophy type 2F (LGMDR6). Also called: MUSCULAR DYSTROPHY, LIMB-GIRDLE, AUTOSOMAL RECESSIVE 6; Muscular dystrophy limb-girdle with delta-sarcoglyan deficiency. Identifiers: Orphanet 219, MedGen C1832525, MONDO:0011028, OMIM 601287. Disease mechanism: Affects gamma-sarcoglycan and also disrupts the integrity of the entire sarcoglycan complex..

Submission:

Labcorp Genetics (formerly Invitae), Labcorp
Classification: Pathogenic for Autosomal recessive limb-girdle muscular dystrophy type 2F. Last evaluated: 2019-07-16. Review status: criteria provided, single submitter. Criteria: Invitae Variant Classification Sherloc (09022015). Collection method: clinical testing. Allele origin: germline.
Comment: This variant is a gross deletion of the genomic region encompassing exons 2 to 3 of the SGCD gene, which includes the initiator codon. The 5' end of this event is unknown as it extends beyond the assayed region for this gene and therefore may encompass additional genes. The 3' boundary is likely confined to intron 3 of the SGCD gene. This is expected to result in an absent or disrupted protein product. This variant has been reported in at least one individual affected with muscular dystrophy and progressive muscle weakness (PMID: 26077850, 26633542) For these reasons, this variant has been classified as Pathogenic. Loss-of-function variants in SGCD are known to be pathogenic (PMID: 8841194, 10735275, 10838250).

Literature cited by the submitters: PubMed 26077850; PubMed 26633542; PubMed 8841194; PubMed 10735275; PubMed 10838250.

NC_000005.10:g.(?_156329567)_(156344687_?)del

Gene: SGCD (sarcoglycan delta; plus strand). Cytogenetic location: 5q33.3.
Variant type: Deletion.
Identifiers: ClinVar variation 831480 (VCV000831480.9).